The following is an entry in ClinVar:

NM_001085487.3(MYSM1):c.709C>T (p.Pro237Ser)

Gene: MYSM1 (Myb like, SWIRM and MPN domains 1; minus strand). Cytogenetic location: 1p32.1.
Variant type: single nucleotide variant.
Coding change: c.709C>T on transcript NM_001085487.3 (MANE Select); coding-DNA position 709, C replaced by T.
Protein change: p.Pro237Ser; replaces proline 237 with serine.
Molecular consequence: missense variant.
Genome position (GRCh38, 1-based): chr1:58,682,335, G>A on the plus strand (C>T on the coding strand, the complement: MYSM1 is on the minus strand). VCF-style: chr1-58682335-G-A. GRCh37 (hg19) VCF-style: chr1-59148007-G-A.
Other names: p.Pro237Ser; short protein forms P237S.
Identifiers: ClinVar variation 1930802 (VCV001930802.3), dbSNP rs780097660, ClinGen allele CA22872842.

ClinVar aggregate classification (germline): Uncertain significance. Review status: criteria provided, multiple submitters, no conflicts (2 of 4 stars). 2 submissions from 2 submitters: Uncertain significance (2). Last evaluated 2025-12-06.

Allele frequency attached by ClinVar (database versions not stated): TOPMed below 0.00001.
gnomAD v4.1: 4 of 1,614,052 alleles (0.00025%); highest among the groups gnomAD compares: Middle Eastern, 0.017%; no homozygotes.

Submissions (2):

Mayo Clinic Laboratories, Mayo Clinic
Classification: Uncertain significance. Last evaluated: 2025-12-06. Review status: criteria provided, single submitter. Criteria: ACMG Guidelines, 2015. Collection method: clinical testing. Allele origin: germline. Observed: 1 variant allele.
Comment: BP4_moderate, PM2_supporting

Labcorp Genetics (formerly Invitae), Labcorp
Classification: Uncertain significance. Last evaluated: 2022-03-06. Review status: criteria provided, single submitter. Criteria: Invitae Variant Classification Sherloc (09022015). Collection method: clinical testing. Allele origin: germline.
Comment: This sequence change replaces proline, which is neutral and non-polar, with serine, which is neutral and polar, at codon 237 of the MYSM1 protein (p.Pro237Ser). This variant is present in population databases (rs780097660, gnomAD 0.0009%). This variant has not been reported in the literature in individuals affected with MYSM1-related conditions. Algorithms developed to predict the effect of missense changes on protein structure and function output the following: SIFT: "Tolerated"; PolyPhen-2: "Benign"; Align-GVGD: "Class C0". The serine amino acid residue is found in multiple mammalian species, which suggests that this missense change does not adversely affect protein function. In summary, the available evidence is currently insufficient to determine the role of this variant in disease. Therefore, it has been classified as a Variant of Uncertain Significance.